The following is an entry in ClinVar:

NM_000666.3(ACY1):c.58C>G (p.Leu20Val)

Genes: ABHD14A-ACY1 (ABHD14A-ACY1 readthrough; plus strand), ACY1 (aminoacylase 1; plus strand). Cytogenetic location: 3p21.2.
Variant type: single nucleotide variant.
Coding change: c.58C>G on transcript NM_000666.3 (MANE Select); coding-DNA position 58, C replaced by G.
Protein change: p.Leu20Val; replaces leucine 20 with valine.
Molecular consequence: missense variant.
Genome position (GRCh38, 1-based): chr3:51,984,122, C>G. VCF-style: chr3-51984122-C-G. GRCh37 (hg19) VCF-style: chr3-52018138-C-G.
Other names: c.328C>G, p.Leu110Val (NM_001316331.2); c.58C>G, p.Leu20Val (NM_001198895.2, NM_001198896.2, NM_001198897.2 and 1 more transcripts); short protein forms L20V, L110V.
Identifiers: ClinVar variation 1428032 (VCV001428032.8), dbSNP rs200895743, ClinGen allele CA2428324.

ClinVar aggregate classification (germline): Uncertain significance. Review status: criteria provided, multiple submitters, no conflicts (2 of 4 stars). 2 submissions from 2 submitters: Uncertain significance (2). Last evaluated 2024-12-02.

Conditions:
Inborn genetic diseases. Identifiers: MedGen C0950123, MeSH D030342.

Allele frequency attached by ClinVar (database versions not stated): ESP Exome Variant Server 0.00008.

Submissions (2):

Labcorp Genetics (formerly Invitae), Labcorp
Classification: Uncertain significance. Last evaluated: 2024-12-02. Review status: criteria provided, single submitter. Criteria: Invitae Variant Classification Sherloc (09022015). Collection method: clinical testing. Allele origin: germline.
Comment: This sequence change replaces leucine, which is neutral and non-polar, with valine, which is neutral and non-polar, at codon 20 of the ACY1 protein (p.Leu20Val). This variant is present in population databases (rs200895743, gnomAD 0.03%). This variant has not been reported in the literature in individuals affected with ACY1-related conditions. ClinVar contains an entry for this variant (Variation ID: 1428032). Invitae Evidence Modeling of protein sequence and biophysical properties (such as structural, functional, and spatial information, amino acid conservation, physicochemical variation, residue mobility, and thermodynamic stability) indicates that this missense variant is not expected to disrupt ACY1 protein function with a negative predictive value of 80%. In summary, the available evidence is currently insufficient to determine the role of this variant in disease. Therefore, it has been classified as a Variant of Uncertain Significance.

Ambry Genetics
Classification: Uncertain significance for Inborn genetic diseases. Last evaluated: 2022-06-30. Review status: criteria provided, single submitter. Criteria: Ambry Variant Classification Scheme 2023. Collection method: clinical testing. Allele origin: germline.